The following is an entry in ClinVar:

ClinVar aggregate classification (germline): Uncertain significance (1 of 4 stars; one submission).

Conditions:
KBG syndrome (KBGS). Also called: ANKRD11-Related KBG Syndrome. Identifiers: Orphanet 2332, MedGen C0220687, MONDO:0007846, OMIM 148050.

Allele frequency attached by ClinVar (database versions not stated): gnomAD exomes below 0.00001.
gnomAD v4.1: 2 of 1,614,206 alleles (0.00012%); highest among the groups gnomAD compares: Non-Finnish European, 0.00017%; no homozygotes.

Submission:

Labcorp Genetics (formerly Invitae), Labcorp
Classification: Uncertain significance for KBG syndrome. Last evaluated: 2024-06-24. Review status: criteria provided, single submitter. Criteria: Invitae Variant Classification Sherloc (09022015). Collection method: clinical testing. Allele origin: germline.
Comment: This sequence change replaces proline, which is neutral and non-polar, with serine, which is neutral and polar, at codon 270 of the ANKRD11 protein (p.Pro270Ser). This variant is not present in population databases (gnomAD no frequency). This variant has not been reported in the literature in individuals affected with ANKRD11-related conditions. Advanced modeling of protein sequence and biophysical properties (such as structural, functional, and spatial information, amino acid conservation, physicochemical variation, residue mobility, and thermodynamic stability) has been performed at Invitae for this missense variant, however the output from this modeling did not meet the statistical confidence thresholds required to predict the impact of this variant on ANKRD11 protein function. In summary, the available evidence is currently insufficient to determine the role of this variant in disease. Therefore, it has been classified as a Variant of Uncertain Significance.

NM_013275.6(ANKRD11):c.808C>T (p.Pro270Ser)

Gene: ANKRD11 (ankyrin repeat domain 11; minus strand). Cytogenetic location: 16q24.3.
Variant type: single nucleotide variant.
Coding change: c.808C>T on transcript NM_013275.6 (MANE Select); coding-DNA position 808, C replaced by T.
Protein change: p.Pro270Ser; replaces proline 270 with serine.
Molecular consequence: missense variant.
Genome position (GRCh38, 1-based): chr16:89,286,123, G>A on the plus strand (C>T on the coding strand, the complement: ANKRD11 is on the minus strand). VCF-style: chr16-89286123-G-A. GRCh37 (hg19) VCF-style: chr16-89352531-G-A.
Other names: c.808C>T, p.Pro270Ser (NM_001256182.2, NM_001256183.2); short protein forms P270S.
Identifiers: ClinVar variation 2891009 (VCV002891009.3), dbSNP rs2544251930, ClinGen allele CA397166411.